The following is an entry in ClinVar:

ClinVar aggregate classification (germline): Likely benign. Review status: criteria provided, multiple submitters, no conflicts (2 of 4 stars). 6 submissions from 6 submitters: Likely benign (4). 2 of the submissions do not count toward it. Last evaluated 2026-03-01.

Conditions:
CLTC-related disorder. Also called: CLTC-related condition.

Allele frequency attached by ClinVar (database versions not stated): TOPMed 0.00029; 1000 Genomes Project 30x 0.00031; ExAC 0.00033; 1000 Genomes Project 0.00040; gnomAD exomes 0.00040 and 0.00049; gnomAD 0.00047 and 0.00048; ESP Exome Variant Server 0.00062.
gnomAD v4.1: 766 of 1,609,484 alleles (0.048%); highest among the groups gnomAD compares: Non-Finnish European, 0.052%; 2 homozygotes.

Submissions (6):

CeGaT Center for Human Genetics Tuebingen
Classification: Likely benign. Last evaluated: 2026-03-01. Review status: criteria provided, single submitter. Criteria: CeGaT Center For Human Genetics Tuebingen Variant Classification Criteria Version 2. Collection method: clinical testing. Allele origin: germline. Affected: yes. Observed: 3 variant alleles.
Comment: CLTC: PP2, BS2

Labcorp Genetics (formerly Invitae), Labcorp
Classification: Likely benign. Last evaluated: 2025-12-03. Review status: criteria provided, single submitter. Criteria: Invitae Variant Classification Sherloc (09022015). Collection method: clinical testing. Allele origin: germline.

PreventionGenetics, part of Exact Sciences
Classification: Likely benign for CLTC-related condition. Last evaluated: 2025-06-24. Review status: criteria provided, single submitter. Criteria: ACMG Guidelines, 2015. Collection method: clinical testing. Allele origin: germline.
Comment: This variant is classified as likely benign based on ACMG/AMP sequence variant interpretation guidelines (Richards et al. 2015 PMID: 25741868, with internal and published modifications).

Blueprint Genetics
Classification: Likely benign. Last evaluated: 2024-11-27. Review status: criteria provided, single submitter. Criteria: ACMG Guidelines, 2015. Collection method: clinical testing. Allele origin: germline.

Clinical Genetics DNA and cytogenetics Diagnostics Lab, Erasmus MC, Erasmus Medical Center
Classification: Likely benign. Review status: no assertion criteria provided. Collection method: clinical testing. Allele origin: germline. Affected: yes. Study: VKGL Data-share Consensus. Not counted in ClinVar's aggregate classification.

Diagnostic Laboratory, Department of Genetics, University Medical Center Groningen
Classification: Likely benign. Review status: no assertion criteria provided. Collection method: clinical testing. Allele origin: germline. Affected: yes. Study: VKGL Data-share Consensus. Not counted in ClinVar's aggregate classification.

NM_004859.4(CLTC):c.4493G>A (p.Arg1498His)

Genes: CLTC (clathrin heavy chain; plus strand), LOC125177523 (Sharpr-MPRA regulatory region 12460; plus strand). Cytogenetic location: 17q23.1.
Variant type: single nucleotide variant.
Coding change: c.4493G>A on transcript NM_004859.4 (MANE Select); coding-DNA position 4493, G replaced by A.
Protein change: p.Arg1498His; replaces arginine 1498 with histidine.
Molecular consequence: missense variant.
Genome position (GRCh38, 1-based): chr17:59,685,114, G>A. VCF-style: chr17-59685114-G-A. GRCh37 (hg19) VCF-style: chr17-57762475-G-A.
Other names: c.4505G>A (NM_001288653.1); c.4505G>A, p.Arg1502His (NM_001288653.2); short protein forms R1498H, R1502H.
Identifiers: ClinVar variation 1299868 (VCV001299868.35), dbSNP rs117813867, ClinGen allele CA8681752.